The following is an entry in ClinVar:

ClinVar aggregate classification (germline): Uncertain significance (1 of 4 stars; one submission).

Conditions:
Hereditary cancer-predisposing syndrome. Also called: Neoplastic Syndromes, Hereditary; Tumor predisposition; Hereditary neoplastic syndrome; Hereditary Cancer Syndrome. Identifiers: Orphanet 140162, MedGen C0027672, MeSH D009386, MONDO:0015356.
Cardiovascular phenotype. Identifiers: MedGen CN230736.

Allele frequency attached by ClinVar (database versions not stated): gnomAD exomes below 0.00001.

Submission:

Ambry Genetics
Classification: Uncertain significance for Cardiovascular phenotype; Hereditary cancer-predisposing syndrome. Last evaluated: 2023-05-27. Review status: criteria provided, single submitter. Criteria: Ambry Variant Classification Scheme 2023. Collection method: clinical testing. Allele origin: germline.
Comment: The p.M1023V variant (also known as c.3067A>G), located in coding exon 23 of the NF1 gene, results from an A to G substitution at nucleotide position 3067. The methionine at codon 1023 is replaced by valine, an amino acid with highly similar properties. This amino acid position is conserved. In addition, the in silico prediction for this alteration is inconclusive. Since supporting evidence is limited at this time, the clinical significance of this alteration remains unclear.

NM_001042492.3(NF1):c.3067A>G (p.Met1023Val)

Gene: NF1 (neurofibromin 1; plus strand). Cytogenetic location: 17q11.2.
Variant type: single nucleotide variant.
Coding change: c.3067A>G on transcript NM_001042492.3 (MANE Select); coding-DNA position 3067, A replaced by G.
Protein change: p.Met1023Val; replaces methionine 1023 with valine.
Molecular consequence: missense variant.
Genome position (GRCh38, 1-based): chr17:31,230,336, A>G. VCF-style: chr17-31230336-A-G. GRCh37 (hg19) VCF-style: chr17-29557354-A-G.
Other names: c.3067A>G, p.Met1023Val (NM_000267.4); short protein forms M1023V.
Identifiers: ClinVar variation 3237714 (VCV003237714.1), dbSNP rs2151431666.
Genomic context (GRCh38, chr17:31,230,336, plus strand): 5'-GGGAATATGGTCCATGCAATTCAAATAAAAACGAAACTGTGTCAATTAGTTGAAGTAATG[A>G]TGGCAAGGAGAGATGACCTCTCATTTTGCCAAGAGATGAAATTTAGGTGAGTTCTCAAAA-3'
Protein context (NP_001035957.1, residues 1013-1033): TKLCQLVEVM[Met1023Val]ARRDDLSFCQ